The following is an entry in ClinVar:

NM_002857.4(PEX19):c.248C>G (p.Ala83Gly)

Gene: PEX19 (peroxisomal biogenesis factor 19; minus strand). Cytogenetic location: 1q23.2.
Variant type: single nucleotide variant.
Coding change: c.248C>G on transcript NM_002857.4 (MANE Select); coding-DNA position 248, C replaced by G.
Protein change: p.Ala83Gly; replaces alanine 83 with glycine.
Molecular consequence: missense variant. On other transcripts: non-coding transcript variant (2).
Genome position (GRCh38, 1-based): chr1:160,283,042, G>C on the plus strand (C>G on the coding strand, the complement: PEX19 is on the minus strand). VCF-style: chr1-160283042-G-C. GRCh37 (hg19) VCF-style: chr1-160252832-G-C.
Other names: c.248C>G, p.Ala83Gly (NM_001193644.1); short protein forms A83G.
Identifiers: ClinVar variation 1470075 (VCV001470075.7), dbSNP rs1657842985, ClinGen allele CA343263393.

ClinVar aggregate classification (germline): Uncertain significance (1 of 4 stars; one submission).

Conditions:
Peroxisome biogenesis disorder 12A (Zellweger). Also called: Peroxisome biogenesis disorder 12A. Identifiers: Orphanet 912, MedGen C3554002, MONDO:0013951, OMIM 614886.

Allele frequency attached by ClinVar (database versions not stated): TOPMed below 0.00001; gnomAD exomes 0.00001.

Submission:

Labcorp Genetics (formerly Invitae), Labcorp
Classification: Uncertain significance for Peroxisome biogenesis disorder 12A (Zellweger). Last evaluated: 2024-10-22. Review status: criteria provided, single submitter. Criteria: Invitae Variant Classification Sherloc (09022015). Collection method: clinical testing. Allele origin: germline.
Comment: This sequence change replaces alanine, which is neutral and non-polar, with glycine, which is neutral and non-polar, at codon 83 of the PEX19 protein (p.Ala83Gly). This variant is not present in population databases (gnomAD no frequency). This variant has not been reported in the literature in individuals affected with PEX19-related conditions. ClinVar contains an entry for this variant (Variation ID: 1470075). Invitae Evidence Modeling of protein sequence and biophysical properties (such as structural, functional, and spatial information, amino acid conservation, physicochemical variation, residue mobility, and thermodynamic stability) has been performed for this missense variant. However, the output from this modeling did not meet the statistical confidence thresholds required to predict the impact of this variant on PEX19 protein function. In summary, the available evidence is currently insufficient to determine the role of this variant in disease. Therefore, it has been classified as a Variant of Uncertain Significance.